The following is an entry in ClinVar:

ClinVar aggregate classification (germline): Uncertain significance (1 of 4 stars; one submission).

Submission:

GeneDx
Classification: Uncertain significance. Last evaluated: 2024-06-12. Review status: criteria provided, single submitter. Criteria: GeneDx Variant Classification Process June 2021. Collection method: clinical testing. Allele origin: germline. Affected: yes.
Comment: Not observed at significant frequency in large population cohorts (gnomAD); In silico analysis indicates that this missense variant does not alter protein structure/function; Has not been previously published as pathogenic or benign to our knowledge

NM_001162501.2(TNRC6B):c.2280T>G (p.Asn760Lys)

Gene: TNRC6B (trinucleotide repeat containing adaptor 6B; plus strand). Cytogenetic location: 22q13.1.
Variant type: single nucleotide variant.
Coding change: c.2280T>G on transcript NM_001162501.2 (MANE Select); coding-DNA position 2280, T replaced by G.
Protein change: p.Asn760Lys; replaces asparagine 760 with lysine.
Molecular consequence: missense variant. On other transcripts: intron variant (1).
Genome position (GRCh38, 1-based): chr22:40,266,510, T>G. VCF-style: chr22-40266510-T-G. GRCh37 (hg19) VCF-style: chr22-40662514-T-G.
Other names: c.2280T>G, p.Asn760Lys (NM_015088.3); c.566-3612T>G (NM_001024843.2); short protein forms N760K.
Identifiers: ClinVar variation 3391631 (VCV003391631.1).
Genomic context (GRCh38, chr22:40,266,510, plus strand): 5'-AGGATGGTCTTCTGGAAAGAATGGTTGGGGGGAGGAAGTCGATCAGACAAAAAACAGCAA[T>G]TGGGAAAGTTCTGCAAGTAAACCTGTGTCTGGGTGGGGTGAAGGAGGGCAGAATGAAATC-3'
Protein context (NP_001155973.1, residues 750-770): GEEVDQTKNS[Asn760Lys]WESSASKPVS